The following is an entry in ClinVar:

ClinVar aggregate classification (germline): Likely benign. Review status: criteria provided, single submitter (1 of 4 stars). 2 submissions from 2 submitters: Likely benign (1). 1 of the submissions does not count toward it. Last evaluated 2023-03-23.

Conditions:
Hereditary cancer-predisposing syndrome. Also called: Tumor predisposition; Neoplastic Syndromes, Hereditary; Hereditary Cancer Syndrome; Hereditary neoplastic syndrome. Identifiers: Orphanet 140162, MedGen C0027672, MeSH D009386, MONDO:0015356.
Breast-ovarian cancer, familial, susceptibility to, 1 (BROVCA1). Also called: OVARIAN CANCER, SUSCEPTIBILITY TO; BRCA1 Hereditary Breast and Ovarian Cancer. Identifiers: Orphanet 145, MedGen C2676676, MONDO:0011450, OMIM 604370. Disease mechanism: loss of function.

Submissions (2):

University of Washington Department of Laboratory Medicine, University of Washington
Classification: Likely benign for Hereditary cancer-predisposing syndrome. Last evaluated: 2023-03-23. Review status: criteria provided, single submitter. Criteria: Dines et al. (Genet Med. 2020). Collection method: curation. Allele origin: germline.
Comment: Missense variant in a coldspot region where missense variants are very unlikely to be pathogenic (PMID:31911673).

BRCA1 coldspot (exon 11 using historical exon numbering). Reclassification based on statistical prior probability

Breast Cancer Information Core (BIC) (BRCA1)
Classification: Uncertain significance for Breast-ovarian cancer, familial 1. Last evaluated: 2004-11-25. Review status: no assertion criteria provided. Collection method: clinical testing. Allele origin: germline. Affected: yes. Observed: 1 variant allele. Not counted in ClinVar's aggregate classification.

NM_007294.4(BRCA1):c.1901C>G (p.Pro634Arg)

Gene: BRCA1 (BRCA1 DNA repair associated; minus strand). Cytogenetic location: 17q21.31.
Variant type: single nucleotide variant.
Coding change: c.1901C>G on transcript NM_007294.4 (MANE Select); coding-DNA position 1901, C replaced by G.
Protein change: p.Pro634Arg; replaces proline 634 with arginine.
Molecular consequence: missense variant. On other transcripts: intron variant (137).
Genome position (GRCh38, 1-based): chr17:43,093,630, G>C on the plus strand (C>G on the coding strand, the complement: BRCA1 is on the minus strand). VCF-style: chr17-43093630-G-C. GRCh37 (hg19) VCF-style: chr17-41245647-G-C.
Other names: c.1898C>G, p.Pro633Arg (NM_001407636.1, NM_001407637.1, NM_001407638.1 and 22 more transcripts); c.1901C>G, p.Pro634Arg (NM_001407639.1, NM_001407640.1, NM_001407641.1 and 30 more transcripts); c.1892C>G, p.Pro631Arg (NM_001407646.1, NM_001407647.1); c.1778C>G, p.Pro593Arg (NM_001407648.1, NM_001407664.1, NM_001407665.1 and 19 more transcripts); c.1775C>G, p.Pro592Arg (NM_001407649.1, NM_001407670.1, NM_001407671.1 and 11 more transcripts); c.1823C>G, p.Pro608Arg (NM_001407653.1, NM_001407654.1, NM_001407655.1 and 4 more transcripts); c.1820C>G, p.Pro607Arg (NM_001407659.1, NM_001407660.1, NM_001407661.1 and 1 more transcripts); c.1760C>G, p.Pro587Arg (NM_001407692.1, NM_001407694.1, NM_001407695.1 and 29 more transcripts); and 40 more; short protein forms P634R, P587R, P506R, P507R, P523R, P546R, P566R, P593R.
Identifiers: ClinVar variation 54392 (VCV000054392.5), dbSNP rs80357121, ClinGen allele CA001243.